The following is an entry in ClinVar:

ClinVar aggregate classification (germline): Pathogenic (1 of 4 stars; one submission).

Submission:

Labcorp Genetics (formerly Invitae), Labcorp
Classification: Pathogenic. Last evaluated: 2022-10-08. Review status: criteria provided, single submitter. Criteria: Invitae Variant Classification Sherloc (09022015). Collection method: clinical testing. Allele origin: germline.
Comment: This sequence change creates a premature translational stop signal (p.Ser55Leufs*3) in the MLC1 gene. It is expected to result in an absent or disrupted protein product. Loss-of-function variants in MLC1 are known to be pathogenic (PMID: 11254442, 16470554, 24824219). This variant is not present in population databases (gnomAD no frequency). This variant has not been reported in the literature in individuals affected with MLC1-related conditions. For these reasons, this variant has been classified as Pathogenic.

Literature cited by the submitters: PubMed 11254442; PubMed 16470554; PubMed 24824219.

NM_015166.4(MLC1):c.163del (p.Ser55fs)

Gene: MLC1 (modulator of VRAC current 1; minus strand). Cytogenetic location: 22q13.33.
Variant type: Deletion.
Coding change: c.163del on transcript NM_015166.4 (MANE Select); coding-DNA position 163, one base deleted (T; older notation c.163delT).
Protein change: p.Ser55fs; shifts the reading frame from serine 55.
Molecular consequence: frameshift variant. On other transcripts: non-coding transcript variant (3), intron variant (1).
Genome position (GRCh38, 1-based): chr22:50,084,740, A deleted on the plus strand (T on the coding strand, the reverse complement: MLC1 is on the minus strand). VCF-style (leftmost placement, unchanged base first): chr22-50084739-GA-G. GRCh37 (hg19) VCF-style: chr22-50523168-GA-G.
Other names: c.163del, p.Ser55fs (NM_001376472.1, NM_001376473.1, NM_001376474.1 and 10 more transcripts); c.-59+615del (NM_001376484.1); short protein forms S55fs.
Identifiers: ClinVar variation 2034654 (VCV002034654.4), dbSNP rs2518370183, ClinGen allele CA2580100008.